The following is an entry in ClinVar:

ClinVar aggregate classification (germline): Benign. Review status: criteria provided, multiple submitters, no conflicts (2 of 4 stars). 8 submissions from 8 submitters: Benign (6). 2 of the submissions do not count toward it. Last evaluated 2026-02-04.

Conditions:
Fraser syndrome 1 (FRASRS1). Also called: CRYPTOPHTHALMOS WITH OTHER MALFORMATIONS. Identifiers: Orphanet 2052, MedGen C4551480, MONDO:0054737, OMIM 219000.

Allele frequency attached by ClinVar (database versions not stated): ESP Exome Variant Server 0.29624; gnomAD 0.31772; ExAC 0.32680; TOPMed 0.33090; 1000 Genomes Project 30x 0.40162; 1000 Genomes Project 0.40455.
gnomAD v4.1: 464,641 of 1,602,702 alleles (29%); highest among the groups gnomAD compares: South Asian, 52%; 73,212 homozygotes.

Submissions (8):

Labcorp Genetics (formerly Invitae), Labcorp
Classification: Benign. Last evaluated: 2026-02-04. Review status: criteria provided, single submitter. Criteria: Invitae Variant Classification Sherloc (09022015). Collection method: clinical testing. Allele origin: germline.

Blueprint Genetics
Classification: Benign. Last evaluated: 2024-11-26. Review status: criteria provided, single submitter. Criteria: ACMG Guidelines, 2015. Collection method: clinical testing. Allele origin: germline.

Mayo Clinic Laboratories, Mayo Clinic
Classification: Benign. Last evaluated: 2022-03-09. Review status: criteria provided, single submitter. Criteria: ACMG Guidelines, 2015. Collection method: clinical testing. Allele origin: germline. Observed: 41 variant alleles.

Genome-Nilou Lab
Classification: Benign for Fraser syndrome 1. Last evaluated: 2021-08-10. Review status: criteria provided, single submitter. Criteria: ACMG Guidelines, 2015. Collection method: clinical testing. Allele origin: germline. Affected: no.

Illumina Laboratory Services, Illumina
Classification: Benign for Fraser syndrome 1. Last evaluated: 2018-01-13. Review status: criteria provided, single submitter. Criteria: ICSL Variant Classification Criteria 13 December 2019. Collection method: clinical testing. Allele origin: germline.
Comment: This variant was observed in the ICSL laboratory as part of a predisposition screen in an ostensibly healthy population. It had not been previously curated by ICSL or reported in the Human Gene Mutation Database (HGMD: prior to June 1st, 2018), and was therefore a candidate for classification through an automated scoring system. Utilizing variant allele frequency, disease prevalence and penetrance estimates, and inheritance mode, an automated score was calculated to assess if this variant is too frequent to cause the disease. Based on the score and internal cut-off values, a variant classified as benign is not then subjected to further curation. The score for this variant resulted in a classification of benign for this disease.

Breakthrough Genomics
Classification: Benign. Review status: criteria provided, single submitter. Criteria: ACMG Guidelines, 2015. Collection method: not provided. Allele origin: germline. Inheritance: Autosomal recessive inheritance. Affected: yes.

Diagnostic Laboratory, Department of Genetics, University Medical Center Groningen
Classification: Benign for Fraser syndrome 1. Review status: no assertion criteria provided. Collection method: clinical testing. Allele origin: germline. Affected: yes. Study: VKGL Data-share Consensus. Not counted in ClinVar's aggregate classification.

Genome Diagnostics Laboratory, University Medical Center Utrecht
Classification: Benign. Review status: no assertion criteria provided. Collection method: clinical testing. Allele origin: germline. Affected: yes. Study: VKGL Data-share Consensus. Not counted in ClinVar's aggregate classification.

NM_025074.7(FRAS1):c.9808A>C (p.Arg3270=)

Gene: FRAS1 (Fraser extracellular matrix complex subunit 1; plus strand). Cytogenetic location: 4q21.21.
Variant type: single nucleotide variant.
Coding change: c.9808A>C on transcript NM_025074.7 (MANE Select); coding-DNA position 9808, A replaced by C.
Protein change: p.Arg3270=; no amino-acid change (arginine 3270 retained).
Molecular consequence: synonymous variant.
Genome position (GRCh38, 1-based): chr4:78,511,301, A>C. VCF-style: chr4-78511301-A-C. GRCh37 (hg19) VCF-style: chr4-79432455-A-C.
Other names: p.Arg3270=.
Identifiers: ClinVar variation 349790 (VCV000349790.16), dbSNP rs3749488, ClinGen allele CA2978770.
Genomic context (GRCh38, chr4:78,511,301, plus strand): 5'-CTCACATTGGAGGTGATTTTTTCTTCCTGTTAGGTCCTGGACAGCATTTACTTCAGCCGG[A>C]GGTTCCATGTGCGTTGTGTGGCCAAGGCTGTGGACAAGGTGGGCCATGTGGGGACCCCCT-3'
Protein context (NP_079350.5, residues 3260-3280): MVLDSIYFSR[Arg3270=]FHVRCVAKAV